The following is an entry in ClinVar:

ClinVar aggregate classification (germline): Pathogenic (1 of 4 stars; one submission).

Conditions:
Inborn genetic diseases. Identifiers: MedGen C0950123, MeSH D030342.

Submission:

Ambry Genetics
Classification: Pathogenic for Inborn genetic diseases. Last evaluated: 2024-02-09. Review status: criteria provided, single submitter. Criteria: Ambry Variant Classification Scheme 2023. Collection method: clinical testing. Allele origin: germline.
Comment: The c.3429_3430delAG (p.G1144Dfs*11) alteration, located in exon 20 (coding exon 19) of the ADGRL1 gene, consists of a deletion of 2 nucleotides from position 3429 to 3430, causing a translational frameshift with a predicted alternate stop codon after 11 amino acids. This alteration is expected to result in loss of function by premature protein truncation or nonsense-mediated mRNA decay. This variant was not reported in population-based cohorts in the Genome Aggregation Database (gnomAD). Based on the available evidence, this alteration is classified as pathogenic.

NM_014921.5(ADGRL1):c.3414_3415del (p.Gly1139fs)

Genes: ADGRL1 (adhesion G protein-coupled receptor L1; minus strand), ADGRL1-AS1 (ADGRL1 antisense RNA 1; plus strand). Cytogenetic location: 19p13.12.
Variant type: Deletion.
Coding change: c.3414_3415del on transcript NM_014921.5 (MANE Select); coding-DNA positions 3414 to 3415, 2 bases deleted (AG; older notation c.3414_3415delAG).
Protein change: p.Gly1139fs; shifts the reading frame from glycine 1139.
Molecular consequence: frameshift variant.
Genome position (GRCh38, 1-based): chr19:14,152,792-14,152,793, CT deleted on the plus strand (AG on the coding strand, the reverse complement: ADGRL1 is on the minus strand). VCF-style (leftmost placement, unchanged base first): chr19-14152791-CCT-C. GRCh37 (hg19) VCF-style: chr19-14263603-CCT-C.
Other names: c.3429_3430del, p.Gly1144fs (NM_001008701.3); short protein forms G1139fs, G1144fs.
Identifiers: ClinVar variation 3087220 (VCV003087220.1), dbSNP rs2512732542, ClinGen allele CA2825002755.